The following is an entry in ClinVar:

ClinVar aggregate classification (germline): Uncertain significance (1 of 4 stars; one submission).

Allele frequency attached by ClinVar (database versions not stated): gnomAD 0.00002; gnomAD exomes 0.00002 and 0.00005; TOPMed 0.00002; ExAC 0.00005.

Submission:

Labcorp Genetics (formerly Invitae), Labcorp
Classification: Uncertain significance. Last evaluated: 2023-07-17. Review status: criteria provided, single submitter. Criteria: Invitae Variant Classification Sherloc (09022015). Collection method: clinical testing. Allele origin: germline.
Comment: This variant is present in population databases (rs777339023, gnomAD 0.01%). This variant has not been reported in the literature in individuals affected with ACE-related conditions. ClinVar contains an entry for this variant (Variation ID: 1372379). Advanced modeling of protein sequence and biophysical properties (such as structural, functional, and spatial information, amino acid conservation, physicochemical variation, residue mobility, and thermodynamic stability) performed at Invitae indicates that this missense variant is not expected to disrupt ACE protein function. In summary, the available evidence is currently insufficient to determine the role of this variant in disease. Therefore, it has been classified as a Variant of Uncertain Significance. This sequence change replaces alanine, which is neutral and non-polar, with threonine, which is neutral and polar, at codon 565 of the ACE protein (p.Ala565Thr).

NM_000789.4(ACE):c.1693G>A (p.Ala565Thr)

Gene: ACE (angiotensin I converting enzyme; plus strand). Cytogenetic location: 17q23.3.
Variant type: single nucleotide variant.
Coding change: c.1693G>A on transcript NM_000789.4 (MANE Select); coding-DNA position 1693, G replaced by A.
Protein change: p.Ala565Thr; replaces alanine 565 with threonine.
Molecular consequence: missense variant.
Genome position (GRCh38, 1-based): chr17:63,483,955, G>A. VCF-style: chr17-63483955-G-A. GRCh37 (hg19) VCF-style: chr17-61561316-G-A.
Other names: c.1126G>A, p.Ala376Thr (NM_001382700.1); c.841G>A, p.Ala281Thr (NM_001382701.1); short protein forms A376T, A281T, A565T.
Identifiers: ClinVar variation 1372379 (VCV001372379.4), dbSNP rs777339023, ClinGen allele CA8699656.